The following is an entry in ClinVar:

NM_213599.3(ANO5):c.40+2T>C

Gene: ANO5 (anoctamin 5; plus strand). Cytogenetic location: 11p14.3.
Variant type: single nucleotide variant.
Coding change: c.40+2T>C on transcript NM_213599.3 (MANE Select); the canonical splice donor site of the intron after coding-DNA position 40, T replaced by C.
Molecular consequence: splice donor variant.
Genome position (GRCh38, 1-based): chr11:22,193,534, T>C. VCF-style: chr11-22193534-T-C. GRCh37 (hg19) VCF-style: chr11-22215080-T-C.
Other names: c.40+2T>C (NM_001410963.1, NM_001142649.2, NM_001410964.1).
Identifiers: ClinVar variation 2434185 (VCV002434185.6), dbSNP rs760033003, ClinGen allele CA5922741.
Genomic context (GRCh38, chr11:22,193,534, plus strand): 5'-CATTAACGAGCTGGCGAAGATGGGCGACCCGGATCTCCTGGAAGTGTTGGCGGAGGAAGG[T>C]AGGACCGCGCCAAGAGGCGTCAAGGGAGAGCCAGGCTGGCTGCCTGCACCCCTCCACCCG-3'

ClinVar aggregate classification (germline): Likely pathogenic. Review status: criteria provided, multiple submitters, no conflicts (2 of 4 stars). 2 submissions from 2 submitters: Likely pathogenic (2). Last evaluated 2025-05-22.

Conditions:
Gnathodiaphyseal dysplasia (GDD). Also called: GNATHODIAPHYSEAL SCLEROSIS; OSTEOGENESIS IMPERFECTA WITH UNUSUAL SKELETAL LESIONS. Identifiers: Orphanet 53697, MedGen C1833736, MONDO:0008151, OMIM 166260.
Autosomal recessive limb-girdle muscular dystrophy type 2L (LGMDR12). Also called: Limb-girdle muscular dystrophy, type 2L; Limb-Girdle Muscular Dystrophy R12 Anoctamin-5-Related (LGMD-R12); MUSCULAR DYSTROPHY, LIMB-GIRDLE, AUTOSOMAL RECESSIVE 12. Identifiers: Orphanet 206549, MedGen C1969785, MONDO:0012652, OMIM 611307.

Allele frequency attached by ClinVar (database versions not stated): TOPMed below 0.00001; gnomAD exomes below 0.00001; gnomAD 0.00001.
gnomAD v4.1: 3 of 1,612,218 alleles (0.00019%); highest among the groups gnomAD compares: Non-Finnish European, 0.00025%; no homozygotes.

Submissions (2):

Labcorp Genetics (formerly Invitae), Labcorp
Classification: Likely pathogenic for Autosomal recessive limb-girdle muscular dystrophy type 2L; Gnathodiaphyseal dysplasia. Last evaluated: 2025-05-22. Review status: criteria provided, single submitter. Criteria: Invitae Variant Classification Sherloc (09022015). Collection method: clinical testing. Allele origin: germline.
Comment: This sequence change affects a donor splice site in intron 1 of the ANO5 gene. It is expected to disrupt RNA splicing. Variants that disrupt the donor or acceptor splice site typically lead to a loss of protein function (PMID: 16199547), and loss-of-function variants in ANO5 are known to be pathogenic (PMID: 21186264, 23606453, 25891276, 30919934). This variant is present in population databases (rs760033003, gnomAD 0.0008%). This variant has not been reported in the literature in individuals affected with ANO5-related conditions. ClinVar contains an entry for this variant (Variation ID: 2434185). Algorithms developed to predict the effect of sequence changes on RNA splicing suggest that this variant may disrupt the consensus splice site. In summary, the currently available evidence indicates that the variant is pathogenic, but additional data are needed to prove that conclusively. Therefore, this variant has been classified as Likely Pathogenic.

Revvity Omics, Revvity
Classification: Likely pathogenic. Last evaluated: 2022-01-03. Review status: criteria provided, single submitter. Criteria: ACMG Guidelines, 2015. Collection method: clinical testing. Allele origin: germline.

Literature cited by the submitters: PubMed 16199547 (cited by Labcorp Genetics (formerly Invitae), Labcorp); PubMed 21186264 (cited by Labcorp Genetics (formerly Invitae), Labcorp); PubMed 23606453 (cited by Labcorp Genetics (formerly Invitae), Labcorp); PubMed 25891276 (cited by Labcorp Genetics (formerly Invitae), Labcorp); PubMed 30919934 (cited by Labcorp Genetics (formerly Invitae), Labcorp).